The following is an entry in ClinVar:

NM_004380.3(CREBBP):c.5404G>A (p.Val1802Met)

Gene: CREBBP (CREB binding lysine acetyltransferase; minus strand). Cytogenetic location: 16p13.3.
Variant type: single nucleotide variant.
Coding change: c.5404G>A on transcript NM_004380.3 (MANE Select); coding-DNA position 5404, G replaced by A.
Protein change: p.Val1802Met; replaces valine 1802 with methionine.
Molecular consequence: missense variant.
Genome position (GRCh38, 1-based): chr16:3,729,643, C>T on the plus strand (G>A on the coding strand, the complement: CREBBP is on the minus strand). VCF-style: chr16-3729643-C-T. GRCh37 (hg19) VCF-style: chr16-3779644-C-T.
Other names: c.5290G>A, p.Val1764Met (NM_001079846.1); short protein forms V1764M, V1802M.
Identifiers: ClinVar variation 2093982 (VCV002093982.4), dbSNP rs2151311078, ClinGen allele CA394556542.

ClinVar aggregate classification (germline): Uncertain significance (1 of 4 stars; one submission).

Conditions:
Rubinstein-Taybi syndrome (RSTS). Identifiers: Orphanet 783, MedGen C0035934, MONDO:0019188.

Allele frequency attached by ClinVar (database versions not stated): gnomAD exomes below 0.00001.
gnomAD v4.1: 1 of 1,614,044 alleles (0.000062%); no homozygotes.

Submission:

Labcorp Genetics (formerly Invitae), Labcorp
Classification: Uncertain significance for Rubinstein-Taybi syndrome. Last evaluated: 2022-06-09. Review status: criteria provided, single submitter. Criteria: Invitae Variant Classification Sherloc (09022015). Collection method: clinical testing. Allele origin: germline.
Comment: This sequence change replaces valine, which is neutral and non-polar, with methionine, which is neutral and non-polar, at codon 1802 of the CREBBP protein (p.Val1802Met). This variant is not present in population databases (gnomAD no frequency). This variant has not been reported in the literature in individuals affected with CREBBP-related conditions. Advanced modeling of protein sequence and biophysical properties (such as structural, functional, and spatial information, amino acid conservation, physicochemical variation, residue mobility, and thermodynamic stability) performed at Invitae indicates that this missense variant is not expected to disrupt CREBBP protein function. In summary, the available evidence is currently insufficient to determine the role of this variant in disease. Therefore, it has been classified as a Variant of Uncertain Significance.